The following is an entry in ClinVar:

NM_017780.4(CHD7):c.2719A>G (p.Lys907Glu)

Gene: CHD7 (chromodomain helicase DNA binding protein 7; plus strand). Cytogenetic location: 8q12.2.
Variant type: single nucleotide variant.
Coding change: c.2719A>G on transcript NM_017780.4 (MANE Select); coding-DNA position 2719, A replaced by G.
Protein change: p.Lys907Glu; replaces lysine 907 with glutamic acid.
Molecular consequence: missense variant. On other transcripts: intron variant (1).
Genome position (GRCh38, 1-based): chr8:60,821,811, A>G. VCF-style: chr8-60821811-A-G. GRCh37 (hg19) VCF-style: chr8-61734370-A-G.
Other names: c.1717-40418A>G (NM_001316690.1); short protein forms K907E.
Identifiers: ClinVar variation 3912055 (VCV003912055.1).

ClinVar aggregate classification (germline): Likely pathogenic (0 of 4 stars; one submission).

Conditions:
CHARGE syndrome (CHARGE). Also called: Hittner Hirsch Kreh syndrome; CHARGE ASSOCIATION--COLOBOMA, HEART ANOMALY, CHOANAL ATRESIA, RETARDATION, GENITAL AND EAR ANOMALIES; Coloboma, heart anomaly, choanal atresia, retardation, genital and ear anomalies; CHARGE association; Hall-Hittner syndrome. Identifiers: Orphanet 138, MedGen C0265354, MONDO:0008965.

Submission:

Medical Genetics and Prenatal Diagnosis Center, The Third Affiliated Hospital of Zhengzhou University
Classification: Likely pathogenic for CHD7-related CHARGE syndrome. Review status: no assertion criteria provided. Collection method: clinical testing. Allele origin: de novo. Affected: yes.
Comment: This variant was not reported in population-based cohorts in the Genome Aggregation Database (gnomAD)(PM2). AlphaMissense = 0.998 is greater than 0.994 (PP3_Strong). Alternative variant chr8:61734371 A⇒G (Lys907Arg) is classified Likely Pathogenic by LOVD but is classified Uncertain Significance by the germline classifier(PM5).